The following is an entry in ClinVar:

ClinVar aggregate classification (germline): Uncertain significance (1 of 4 stars; one submission).

Submission:

Labcorp Genetics (formerly Invitae), Labcorp
Classification: Uncertain significance. Last evaluated: 2023-12-04. Review status: criteria provided, single submitter. Criteria: Invitae Variant Classification Sherloc (09022015). Collection method: clinical testing. Allele origin: germline.
Comment: This sequence change affects the initiator methionine of the RPL19 mRNA. The next in-frame methionine is located at codon 3. This variant is not present in population databases (gnomAD no frequency). This variant has not been reported in the literature in individuals affected with RPL19-related conditions. ClinVar contains an entry for this variant (Variation ID: 964835). In summary, the available evidence is currently insufficient to determine the role of this variant in disease. Therefore, it has been classified as a Variant of Uncertain Significance.

NM_000981.4(RPL19):c.2T>G (p.Met1Arg)

Gene: RPL19 (ribosomal protein L19; plus strand). Cytogenetic location: 17q12.
Variant type: single nucleotide variant.
Coding change: c.2T>G on transcript NM_000981.4 (MANE Select); coding-DNA position 2, T replaced by G.
Protein change: p.Met1Arg; changes the start codon (methionine 1).
Molecular consequence: missense variant, initiator codon variant. On other transcripts: 5 prime UTR variant (1).
Genome position (GRCh38, 1-based): chr17:39,200,346, T>G. VCF-style: chr17-39200346-T-G. GRCh37 (hg19) VCF-style: chr17-37356599-T-G.
Other names: c.-399T>G (NM_001330200.1); short protein forms M1R.
Identifiers: ClinVar variation 964835 (VCV000964835.10), dbSNP rs1170075353, ClinGen allele CA398832513.
Genomic context (GRCh38, chr17:39,200,346, plus strand): 5'-GATAATGGGAGGAGCCGGGCCCGAGCGAGCTCTTTCCTTTCGCTGCTGCGGCCGCAGCCA[T>G]GAGGTGAGGGCGAGCTGGTCTCCATCAGGCGCTGACGCGTGTCGACAAGGGACTGTCGGT-3'
Protein context (NP_000972.1, residues 1-11): [Met1Arg]SMLRLQKRLA